The following is an entry in ClinVar:

NM_001999.4(FBN2):c.1431G>A (p.Gly477=)

Gene: FBN2 (fibrillin 2; minus strand). Cytogenetic location: 5q23.3.
Variant type: single nucleotide variant.
Coding change: c.1431G>A on transcript NM_001999.4 (MANE Select); coding-DNA position 1431, G replaced by A.
Protein change: p.Gly477=; no amino-acid change (glycine 477 retained).
Molecular consequence: synonymous variant.
Genome position (GRCh38, 1-based): chr5:128,393,169, C>T on the plus strand (G>A on the coding strand, the complement: FBN2 is on the minus strand). VCF-style: chr5-128393169-C-T. GRCh37 (hg19) VCF-style: chr5-127728862-C-T.
Other names: p.Gly477=.
Identifiers: ClinVar variation 439722 (VCV000439722.27), dbSNP rs759633050, ClinGen allele CA3395802.

ClinVar aggregate classification (germline): Likely benign. Review status: criteria provided, multiple submitters, no conflicts (2 of 4 stars). 7 submissions from 7 submitters: Likely benign (6). 1 of the submissions does not count toward it. Last evaluated 2026-05-13.

Conditions:
FBN2-related disorder. Also called: FBN2-related condition.
Familial thoracic aortic aneurysm and aortic dissection (TAAD). Also called: Thoracic aortic aneurysms and dissections. Identifiers: Orphanet 91387, MedGen C4707243, MONDO:0019625.
Congenital contractural arachnodactyly (CCA). Also called: BEALS SYNDROME; Arthrogryposis, distal, type 9; Beals-Hecht syndrome. Identifiers: Orphanet 115, MedGen C0220668, MONDO:0007363, OMIM 121050.

Allele frequency attached by ClinVar (database versions not stated): gnomAD exomes below 0.00001 and 0.00002; gnomAD 0.00001; ExAC 0.00002; TOPMed 0.00004.
gnomAD v4.1: 20 of 1,614,034 alleles (0.0012%); highest among the groups gnomAD compares: East Asian, 0.0089%; no homozygotes.

Submissions (7):

Women's Health and Genetics/Laboratory Corporation of America, LabCorp
Classification: Likely benign. Last evaluated: 2026-05-13. Review status: criteria provided, single submitter. Criteria: LabCorp Variant Classification Summary - May 2015. Collection method: clinical testing. Allele origin: germline.

Labcorp Genetics (formerly Invitae), Labcorp
Classification: Likely benign for Congenital contractural arachnodactyly. Last evaluated: 2025-09-29. Review status: criteria provided, single submitter. Criteria: Invitae Variant Classification Sherloc (09022015). Collection method: clinical testing. Allele origin: germline.

Mayo Clinic Laboratories, Mayo Clinic
Classification: Likely benign. Last evaluated: 2025-09-20. Review status: criteria provided, single submitter. Criteria: ACMG Guidelines, 2015. Collection method: clinical testing. Allele origin: germline. Observed: 2 variant alleles.
Comment: BS1, BP4, BP7

Blueprint Genetics
Classification: Likely benign. Last evaluated: 2024-09-20. Review status: criteria provided, single submitter. Criteria: ACMG Guidelines, 2015. Collection method: clinical testing. Allele origin: germline.

Ambry Genetics
Classification: Likely benign for Familial thoracic aortic aneurysm and aortic dissection. Last evaluated: 2017-04-03. Review status: criteria provided, single submitter. Criteria: Ambry Variant Classification Scheme 2023. Collection method: clinical testing. Allele origin: germline.

ARUP Laboratories, Molecular Genetics and Genomics, ARUP Laboratories
Classification: Likely benign. Last evaluated: 2017-01-06. Review status: criteria provided, single submitter. Criteria: ARUP Molecular Germline Variant Investigation Process. Collection method: clinical testing. Allele origin: germline.

PreventionGenetics, part of Exact Sciences
Classification: Likely benign for FBN2-related condition. Last evaluated: 2019-03-15. Review status: no assertion criteria provided. Collection method: clinical testing. Allele origin: germline. Not counted in ClinVar's aggregate classification.
Comment: This variant is classified as likely benign based on ACMG/AMP sequence variant interpretation guidelines (Richards et al. 2015 PMID: 25741868, with internal and published modifications).